The following is an entry in ClinVar:

NM_001114753.3(ENG):c.1821_1836dup (p.Ile613fs)

Gene: ENG (endoglin; minus strand). Cytogenetic location: 9q34.11.
Variant type: Duplication.
Coding change: c.1821_1836dup on transcript NM_001114753.3 (MANE Select); coding-DNA positions 1821 to 1836, 16 bases duplicated (TGCTGCACTCTGGTAC).
Protein change: p.Ile613fs; shifts the reading frame from isoleucine 613.
Molecular consequence: frameshift variant.
Genome position (GRCh38, 1-based): chr9:127,815,959-127,815,974, GTACCAGAGTGCAGCA duplicated on the plus strand (TGCTGCACTCTGGTAC on the coding strand, the reverse complement: ENG is on the minus strand); duplicating any 16 consecutive bases within chr9:127,815,959-127,815,976 gives the same sequence; the c. name uses the placement nearest the transcript's 3' end. VCF-style (leftmost placement, unchanged base first): chr9-127815958-T-TGTACCAGAGTGCAGCA. GRCh37 (hg19) VCF-style: chr9-130578237-T-TGTACCAGAGTGCAGCA.
Other names: c.1821_1836dup, p.Ile613fs (NM_000118.4); c.1275_1290dup, p.Ile431fs (NM_001278138.2); short protein forms I431fs, I613fs.
Identifiers: ClinVar variation 3619502 (VCV003619502.2).

ClinVar aggregate classification (germline): Uncertain significance (1 of 4 stars; one submission).

Conditions:
Hereditary hemorrhagic telangiectasia (HHT). Also called: ORW DISEASE; Osler Weber Rendu syndrome; OSLER-RENDU-WEBER DISEASE; Osler hemorrhagic telangiectasia syndrome. Identifiers: Orphanet 774, MedGen C0039445, MONDO:0019180. Disease mechanism: loss of function.

Submission:

Labcorp Genetics (formerly Invitae), Labcorp
Classification: Uncertain significance for Hereditary hemorrhagic telangiectasia. Last evaluated: 2024-07-11. Review status: criteria provided, single submitter. Criteria: Invitae Variant Classification Sherloc (09022015). Collection method: clinical testing. Allele origin: germline.
Comment: This sequence change creates a premature translational stop signal (p.Ile613Cysfs*12) in the ENG gene. While this is not anticipated to result in nonsense mediated decay, it is expected to disrupt the last 13 amino acid(s) of the ENG protein. This variant is not present in population databases (gnomAD no frequency). This premature translational stop signal has been observed in individual(s) with clinical features of hereditary hemorrhagic telangiectasia (Invitae). In summary, the available evidence is currently insufficient to determine the role of this variant in disease. Therefore, it has been classified as a Variant of Uncertain Significance.